The following is an entry in ClinVar:

ClinVar aggregate classification (germline): Uncertain significance. Review status: criteria provided, multiple submitters, no conflicts (2 of 4 stars). 4 submissions from 4 submitters: Uncertain significance (4). Last evaluated 2025-06-10.

Conditions:
Lethal multiple pterygium syndrome (LMPS). Identifiers: Orphanet 33108, MedGen C1854678, MONDO:0009668, OMIM 253290.
Inborn genetic diseases. Identifiers: MedGen C0950123, MeSH D030342.

Allele frequency attached by ClinVar (database versions not stated): gnomAD exomes 0.00001.
gnomAD v4.1: 3 of 1,613,568 alleles (0.00019%); highest among the groups gnomAD compares: Non-Finnish European, 0.00025%; no homozygotes.

Submissions (4):

GeneDx
Classification: Uncertain significance. Last evaluated: 2025-06-10. Review status: criteria provided, single submitter. Criteria: GeneDx Variant Classification Process June 2021. Collection method: clinical testing. Allele origin: germline. Affected: yes.
Comment: Not observed at significant frequency in large population cohorts (gnomAD); In silico analysis suggests that this missense variant does not alter protein structure/function; Has not been previously published as pathogenic or benign to our knowledge

Revvity Omics, Revvity
Classification: Uncertain significance. Last evaluated: 2023-11-28. Review status: criteria provided, single submitter. Criteria: ACMG Guidelines, 2015. Collection method: clinical testing. Allele origin: germline.

Ambry Genetics
Classification: Uncertain significance for Inborn genetic diseases. Last evaluated: 2021-08-23. Review status: criteria provided, single submitter. Criteria: Ambry Variant Classification Scheme 2023. Collection method: clinical testing. Allele origin: germline.

Labcorp Genetics (formerly Invitae), Labcorp
Classification: Uncertain significance for Lethal multiple pterygium syndrome. Last evaluated: 2021-03-22. Review status: criteria provided, single submitter. Criteria: Invitae Variant Classification Sherloc (09022015). Collection method: clinical testing. Allele origin: germline.
Comment: In summary, the available evidence is currently insufficient to determine the role of this variant in disease. Therefore, it has been classified as a Variant of Uncertain Significance. Advanced modeling of protein sequence and biophysical properties (such as structural, functional, and spatial information, amino acid conservation, physicochemical variation, residue mobility, and thermodynamic stability) performed at Invitae indicates that this missense variant is not expected to disrupt CHRND protein function. This variant has not been reported in the literature in individuals with CHRND-related conditions. This variant is not present in population databases (ExAC no frequency). This sequence change replaces leucine with isoleucine at codon 63 of the CHRND protein (p.Leu63Ile). The leucine residue is highly conserved and there is a small physicochemical difference between leucine and isoleucine.

NM_000751.3(CHRND):c.187C>A (p.Leu63Ile)

Gene: CHRND (cholinergic receptor nicotinic delta subunit; plus strand). Cytogenetic location: 2q37.1.
Variant type: single nucleotide variant.
Coding change: c.187C>A on transcript NM_000751.3 (MANE Select); coding-DNA position 187, C replaced by A.
Protein change: p.Leu63Ile; replaces leucine 63 with isoleucine.
Molecular consequence: missense variant. On other transcripts: 5 prime UTR variant (2).
Genome position (GRCh38, 1-based): chr2:232,526,663, C>A. VCF-style: chr2-232526663-C-A. GRCh37 (hg19) VCF-style: chr2-233391373-C-A.
Other names: c.187C>A, p.Leu63Ile (NM_001256657.2); c.-85C>A (NM_001311195.2, NM_001311196.2); c.187C>A (NM_000751.1, NM_000751.2); short protein forms L63I.
Identifiers: ClinVar variation 1428292 (VCV001428292.11), dbSNP rs2106206284, ClinGen allele CA350996246.
Genomic context (GRCh38, chr2:232,526,663, plus strand): 5'-CGGCCCGTGGCACACAAAGAGGAGAGTGTGGACGTTGCCCTGGCCCTCACACTCTCCAAC[C>A]TCATCTCCCTGGTGAGAGGCCCTCCGGTGCTGGGTTGGGAGGGAGGGCAGGGATGGCTTT-3'
Protein context (NP_000742.1, residues 53-73): DVALALTLSN[Leu63Ile]ISLKEVEETL